The following is an entry in ClinVar:

NM_001377334.1(PIK3C2B):c.2805G>A (p.Pro935=)

Gene: PIK3C2B (phosphatidylinositol-4-phosphate 3-kinase catalytic subunit type 2 beta; minus strand). Cytogenetic location: 1q32.1.
Variant type: single nucleotide variant.
Coding change: c.2805G>A on transcript NM_001377334.1 (MANE Select); coding-DNA position 2805, G replaced by A.
Protein change: p.Pro935=; no amino-acid change (proline 935 retained).
Molecular consequence: synonymous variant.
Genome position (GRCh38, 1-based): chr1:204,444,130, C>T on the plus strand (G>A on the coding strand, the complement: PIK3C2B is on the minus strand). VCF-style: chr1-204444130-C-T. GRCh37 (hg19) VCF-style: chr1-204413258-C-T.
Other names: c.2721G>A, p.Pro907= (NM_001377335.1); c.2805G>A, p.Pro935= (NM_002646.4).
Identifiers: ClinVar variation 4985065 (VCV004985065.1).
Genomic context (GRCh38, chr1:204,444,130, plus strand): 5'-GAAGAAGTAGTGAGTCACTCTCAAGTCAGACACAGCTCGTTTCAGGAGGAAGCGCACCAA[C>T]GGGCTGTCCAGGTAGCATTCATACTTCAGGGCCTGTTTCGGAGAAAGGGAGAAAGAGAAT-3'
Protein context (NP_001364263.1, residues 925-945): ALKYECYLDS[Pro935=]LVRFLLKRAV

ClinVar aggregate classification (germline): Likely benign (1 of 4 stars; one submission).

Conditions:
PIK3C2B-related disorder. Also called: PIK3C2B-related condition.

gnomAD v4.1: 1,444 of 1,613,628 alleles (0.089%); highest among the groups gnomAD compares: Non-Finnish European, 0.12%; no homozygotes.

Submission:

PreventionGenetics, part of Exact Sciences
Classification: Likely benign for PIK3C2B-related condition. Last evaluated: 2025-01-12. Review status: criteria provided, single submitter. Criteria: ACMG Guidelines, 2015. Collection method: clinical testing. Allele origin: germline.
Comment: This variant is classified as likely benign based on ACMG/AMP sequence variant interpretation guidelines (Richards et al. 2015 PMID: 25741868, with internal and published modifications).